The following is an entry in ClinVar:

ClinVar aggregate classification (germline): Benign. Review status: criteria provided, multiple submitters, no conflicts (2 of 4 stars). 3 submissions from 3 submitters: Benign (3). Last evaluated 2024-01-24.

Allele frequency attached by ClinVar (database versions not stated): TOPMed 0.27201; gnomAD 0.28259 and 0.28976; 1000 Genomes Project 30x 0.29856; 1000 Genomes Project 0.30272; gnomAD exomes 0.35042.
gnomAD v4.1: 551,104 of 1,601,044 alleles (34%); highest among the groups gnomAD compares: South Asian, 41%; 98,028 homozygotes.

Submissions (3):

Unidad de Genómica Garrahan, Hospital de Pediatría Garrahan
Classification: Benign. Last evaluated: 2024-01-24. Review status: criteria provided, single submitter. Criteria: ACMG Guidelines, 2015. Collection method: clinical testing. Allele origin: germline. Affected: no. Observed: 50 variant alleles.
Comment: This variant is classified as Benign based on local population frequency. This variant was detected in 53% of patients studied by a panel of primary immunodeficiencies. Number of patients: 50. Only high quality variants are reported.

GeneDx
Classification: Benign. Last evaluated: 2018-07-17. Review status: criteria provided, single submitter. Criteria: GeneDx Variant Classification Process June 2021. Collection method: clinical testing. Allele origin: germline. Affected: yes.

Breakthrough Genomics
Classification: Benign. Review status: criteria provided, single submitter. Criteria: ACMG Guidelines, 2015. Collection method: not provided. Allele origin: germline. Inheritance: Autosomal dominant inheritance. Affected: yes.

NM_003482.4(KMT2D):c.5645-63T>C

Gene: KMT2D (lysine methyltransferase 2D; minus strand). Cytogenetic location: 12q13.12.
Variant type: single nucleotide variant.
Coding change: c.5645-63T>C on transcript NM_003482.4 (MANE Select); 63 bases into the intron before coding-DNA position 5645, T replaced by C.
Molecular consequence: intron variant.
Genome position (GRCh38, 1-based): chr12:49,042,941, A>G on the plus strand (T>C on the coding strand, the complement: KMT2D is on the minus strand). VCF-style: chr12-49042941-A-G. GRCh37 (hg19) VCF-style: chr12-49436724-A-G.
Identifiers: ClinVar variation 1241875 (VCV001241875.5), dbSNP rs12580349, ClinGen allele CA15727016.